The following is an entry in ClinVar:

NM_000138.5(FBN1):c.4586C>A (p.Thr1529Asn)

Gene: FBN1 (fibrillin 1; minus strand). Cytogenetic location: 15q21.1.
Variant type: single nucleotide variant.
Coding change: c.4586C>A on transcript NM_000138.5 (MANE Select); coding-DNA position 4586, C replaced by A.
Protein change: p.Thr1529Asn; replaces threonine 1529 with asparagine.
Molecular consequence: missense variant.
Genome position (GRCh38, 1-based): chr15:48,468,099, G>T on the plus strand (C>A on the coding strand, the complement: FBN1 is on the minus strand). VCF-style: chr15-48468099-G-T. GRCh37 (hg19) VCF-style: chr15-48760296-G-T.
Other names: p.T1529N:ACC>AAC; short protein forms T1529N.
Identifiers: ClinVar variation 200051 (VCV000200051.5), dbSNP rs794728227, ClinGen allele CA015220.

ClinVar aggregate classification (germline): Uncertain significance. Review status: criteria provided, multiple submitters, no conflicts (2 of 4 stars). 4 submissions from 4 submitters: Uncertain significance (4). Last evaluated 2024-01-29.

Conditions:
Marfan syndrome (MFS). Also called: Marfan syndrome, classic; FBN1-Related Marfan Syndrome; Marfan syndrome type 1; Marfan's syndrome; MARFAN SYNDROME, TYPE I. Identifiers: Orphanet 284963, Orphanet 558, MedGen C0024796, MONDO:0007947, OMIM 154700.
MASS syndrome (OCTD). Also called: OVERLAP CONNECTIVE TISSUE DISEASE; MASS PHENOTYPE. Identifiers: MedGen C1858556, MONDO:0011431, OMIM 604308.
Weill-Marchesani syndrome 2, dominant. Also called: Weill-Marchesani Syndrome, Autosomal Dominant; FBN1-Related Weill-Marchesani Syndrome. Identifiers: Orphanet 2084, MedGen C1869115, MONDO:0012013, OMIM 608328.
Acromicric dysplasia (ACMICD). Also called: Acromicric skeletal dysplasia. Identifiers: Orphanet 969, MedGen C0265287, MONDO:0007055, OMIM 102370.
Ectopia lentis 1, isolated, autosomal dominant (ECTOL1). Identifiers: Orphanet 1885, MedGen C3541518, MONDO:0007514, OMIM 129600.
Stiff skin syndrome (SSKS). Identifiers: Orphanet 2833, MedGen C1861456, MONDO:0008492, OMIM 184900.
Geleophysic dysplasia 2 (GPHYSD2). Identifiers: Orphanet 2623, MedGen C3280054, MONDO:0013612, OMIM 614185.
Progeroid and marfanoid aspect-lipodystrophy syndrome. Also called: MARFANOID-PROGEROID SYNDROME; MARFAN-PROGEROID-LIPODYSTROPHY SYNDROME; Marfan lipodystrophy syndrome; MARFANOID-PROGEROID-LIPODYSTROPHY SYNDROME. Identifiers: Orphanet 300382, MedGen C4310796, MONDO:0014831, OMIM 616914.
Familial thoracic aortic aneurysm and aortic dissection (TAAD). Also called: Thoracic aortic aneurysms and dissections. Identifiers: Orphanet 91387, MedGen C4707243, MONDO:0019625.

Allele frequency attached by ClinVar (database versions not stated): TOPMed 0.00002; gnomAD 0.00001.
gnomAD v4.1: 5 of 1,613,876 alleles (0.00031%); highest among the groups gnomAD compares: African/African-American, 0.0027%; no homozygotes.

Submissions (4):

Color Diagnostics, LLC DBA Color Health
Classification: Uncertain significance for Familial thoracic aortic aneurysm and aortic dissection. Last evaluated: 2024-01-29. Review status: criteria provided, single submitter. Criteria: ACMG Guidelines, 2015. Collection method: clinical testing. Allele origin: germline.
Comment: This missense variant replaces threonine with asparagine at codon 1529 of the FBN1 protein. Computational prediction is inconclusive regarding the impact of this variant on protein structure and function (internally defined REVEL score threshold 0.5 < inconclusive < 0.7, PMID: 27666373). To our knowledge, functional studies have not been reported for this variant. This variant has not been reported in individuals affected with FBN1-related disorders in the literature. This variant has not been identified in the general population by the Genome Aggregation Database (gnomAD). The available evidence is insufficient to determine the role of this variant in disease conclusively. Therefore, this variant is classified as a Variant of Uncertain Significance.

All of Us Research Program, National Institutes of Health
Classification: Uncertain significance for Marfan syndrome. Last evaluated: 2023-11-28. Review status: criteria provided, single submitter. Criteria: ACMG Guidelines, 2015. Collection method: clinical testing. Allele origin: germline. Inheritance: Autosomal dominant inheritance. Observed: 3 variant alleles, 3 heterozygotes.
Comment: This study involves interpretation of variants in research participants for the purpose of population health screening. Participant phenotype was not available at the time of variant classification. Additional details can be found in publication PMID: 35346344, PMCID: PMC8962531

Fulgent Genetics
Classification: Uncertain significance for Acromicric dysplasia; Ectopia lentis 1, isolated, autosomal dominant; Marfan syndrome; Stiff skin syndrome; MASS syndrome; Weill-Marchesani syndrome 2, dominant; Geleophysic dysplasia 2; Progeroid and marfanoid aspect-lipodystrophy syndrome. Last evaluated: 2021-12-04. Review status: criteria provided, single submitter. Criteria: ACMG Guidelines, 2015. Collection method: clinical testing. Allele origin: unknown.

GeneDx
Classification: Uncertain significance. Last evaluated: 2016-10-26. Review status: criteria provided, single submitter. Criteria: GeneDx Variant Classification (06012015). Collection method: clinical testing. Allele origin: germline. Affected: yes.
Comment: A variant of uncertain significance has been identified in the FBN1 gene. The T1529N variant has not been published as a pathogenic variant, nor has it been reported as a benign variant to our knowledge. The T1529N variant was not observed in approximately 6,500 individuals of European and African American ancestry in the NHLBI Exome Sequencing Project, indicating it is not a common benign variant in these populations. This substitution occurs at a position that is conserved in mammals. Furthermore, missense variants in nearby residues (C1526Y, D1528N, R1528Y) have been reported in the Human Gene Mutation Database in association with Marfan syndrome (Stenson et al., 2014). Nevertheless, the T1529N variant is a conservative amino acid substitution, which is not likely to impact secondary protein structure as these residues share similar properties. Moreover, in silico analysis is inconsistent in its predictions as to whether or not the variant is damaging to the protein structure/function. Finally, T1529N does not affects a Cysteine residue within a calcium-binding EGF-like domain of the FBN1 gene, which represent the majority of pathogenic missense changes associated with Marfan syndrome (Collod-Beroud et al., 2003). Thus, this variant lacks observation in a significant number of affected individuals, segregation data, and functional evidence, which would further clarify its pathogenicity. Therefore, based on the currently available information, it is unclear whether this variant is pathogenic or rare benign.